The following is an entry in ClinVar:

NM_001005242.3(PKP2):c.1783A>G (p.Thr595Ala)

Gene: PKP2 (plakophilin 2; minus strand). Cytogenetic location: 12p11.21.
Variant type: single nucleotide variant.
Coding change: c.1783A>G on transcript NM_001005242.3 (MANE Select); coding-DNA position 1783, A replaced by G.
Protein change: p.Thr595Ala; replaces threonine 595 with alanine.
Molecular consequence: missense variant. On other transcripts: intron variant (1).
Genome position (GRCh38, 1-based): chr12:32,822,523, T>C on the plus strand (A>G on the coding strand, the complement: PKP2 is on the minus strand). VCF-style: chr12-32822523-T-C. GRCh37 (hg19) VCF-style: chr12-32975457-T-C.
Other names: c.1783A>G, p.Thr595Ala (NM_001407155.1, NM_001407161.1); c.1915A>G, p.Thr639Ala (NM_001407157.1, NM_004572.4); c.1456A>G, p.Thr486Ala (NM_001407158.1, NM_001407159.1, NM_001407160.1 and 1 more transcripts); c.1675-994A>G (NM_001407156.1); short protein forms T486A, T595A, T639A.
Identifiers: ClinVar variation 3419531 (VCV003419531.1).

ClinVar aggregate classification (germline): Uncertain significance (1 of 4 stars; one submission).

Conditions:
Cardiovascular phenotype. Identifiers: MedGen CN230736.

Submission:

Ambry Genetics
Classification: Uncertain significance for Cardiovascular phenotype. Last evaluated: 2024-10-24. Review status: criteria provided, single submitter. Criteria: Ambry Variant Classification Scheme 2023. Collection method: clinical testing. Allele origin: germline.
Comment: The p.T639A variant (also known as c.1915A>G), located in coding exon 9 of the PKP2 gene, results from an A to G substitution at nucleotide position 1915. The threonine at codon 639 is replaced by alanine, an amino acid with similar properties. This amino acid position is conserved. In addition, this alteration is predicted to be tolerated by in silico analysis. Based on the available evidence, the clinical significance of this variant remains unclear.